The following is an entry in ClinVar:

ClinVar aggregate classification (germline): Likely benign (0 of 4 stars; one submission).

Conditions:
SEMA3F-related disorder. Also called: SEMA3F-related condition.

gnomAD v4.1: 28 of 1,613,686 alleles (0.0017%); highest among the groups gnomAD compares: Admixed American, 0.018%; no homozygotes.

Submission:

PreventionGenetics, part of Exact Sciences
Classification: Likely benign for SEMA3F-related condition. Last evaluated: 2024-04-25. Review status: no assertion criteria provided. Collection method: clinical testing. Allele origin: germline.
Comment: This variant is classified as likely benign based on ACMG/AMP sequence variant interpretation guidelines (Richards et al. 2015 PMID: 25741868, with internal and published modifications).

NM_004186.5(SEMA3F):c.912C>T (p.Asp304=)

Gene: SEMA3F (semaphorin 3F; plus strand). Cytogenetic location: 3p21.31.
Variant type: single nucleotide variant.
Coding change: c.912C>T on transcript NM_004186.5 (MANE Select); coding-DNA position 912, C replaced by T.
Protein change: p.Asp304=; no amino-acid change (aspartic acid 304 retained).
Molecular consequence: synonymous variant.
Genome position (GRCh38, 1-based): chr3:50,182,912, C>T. VCF-style: chr3-50182912-C-T. GRCh37 (hg19) VCF-style: chr3-50220345-C-T.
Other names: c.615C>T, p.Asp205= (NM_001318798.2); c.819C>T, p.Asp273= (NM_001318800.2).
Identifiers: ClinVar variation 3350010 (VCV003350010.1).
Genomic context (GRCh38, chr3:50,182,912, plus strand): 5'-AGGGCTTGGGGTCAAGAGCTGATCTGACCCGGCCTCTTGCCCCACCCCCCAGAACGATGA[C>T]GGTGGTCACTGTTGCCTGGTCAACAAGTGGAGCACATTCCTGAAGGCGCGGCTCGTCTGC-3'
Protein context (NP_004177.3, residues 294-314): ARIGRICLND[Asp304=]GGHCCLVNKW